The following is an entry in ClinVar:

NM_017617.5(NOTCH1):c.2468-5C>T

Gene: NOTCH1 (notch receptor 1; minus strand). Cytogenetic location: 9q34.3.
Variant type: single nucleotide variant.
Coding change: c.2468-5C>T on transcript NM_017617.5 (MANE Select); 5 bases into the intron before coding-DNA position 2468, C replaced by T.
Molecular consequence: intron variant.
Genome position (GRCh38, 1-based): chr9:136,511,276, G>A on the plus strand (C>T on the coding strand, the complement: NOTCH1 is on the minus strand). VCF-style: chr9-136511276-G-A. GRCh37 (hg19) VCF-style: chr9-139405728-G-A.
Other names: c.2468-5C>T (NM_017617.3).
Identifiers: ClinVar variation 2959051 (VCV002959051.4), dbSNP rs932196144, ClinGen allele CA201583893.

ClinVar aggregate classification (germline): Conflicting classifications of pathogenicity. Review status: criteria provided, conflicting classifications (1 of 4 stars). 2 submissions from 2 submitters: Uncertain significance (1); Likely benign (1). Last evaluated 2025-05-25.

Conditions:
Adams-Oliver syndrome 5 (AOS5). Identifiers: Orphanet 974, MedGen C4014970, MONDO:0014459, OMIM 616028.
Familial thoracic aortic aneurysm and aortic dissection (TAAD). Also called: Thoracic aortic aneurysms and dissections. Identifiers: Orphanet 91387, MedGen C4707243, MONDO:0019625.

Allele frequency attached by ClinVar (database versions not stated): TOPMed 0.00002.
gnomAD v4.1: 28 of 1,609,568 alleles (0.0017%); highest among the groups gnomAD compares: South Asian, 0.0033%; no homozygotes.

Submissions (2):

Labcorp Genetics (formerly Invitae), Labcorp
Classification: Likely benign for Adams-Oliver syndrome 5. Last evaluated: 2025-05-25. Review status: criteria provided, single submitter. Criteria: Invitae Variant Classification Sherloc (09022015). Collection method: clinical testing. Allele origin: germline.

Ambry Genetics
Classification: Uncertain significance for Familial thoracic aortic aneurysm and aortic dissection. Last evaluated: 2023-12-14. Review status: criteria provided, single submitter. Criteria: Ambry Variant Classification Scheme 2023. Collection method: clinical testing. Allele origin: germline.
Comment: The c.2468-5C>T intronic variant results from a C to T substitution 5 nucleotides upstream from coding exon 16 in the NOTCH1 gene. This nucleotide position is well conserved in available vertebrate species. In silico splice site analysis predicts that this alteration will not have any significant effect on splicing. Since supporting evidence is limited at this time, the clinical significance of this alteration remains unclear.